The following is an entry in ClinVar:

ClinVar aggregate classification (germline): Uncertain significance (1 of 4 stars; one submission).

Conditions:
Cardiovascular phenotype. Identifiers: MedGen CN230736.

Submission:

Ambry Genetics
Classification: Uncertain significance for Cardiovascular phenotype. Last evaluated: 2024-06-24. Review status: criteria provided, single submitter. Criteria: Ambry Variant Classification Scheme 2023. Collection method: clinical testing. Allele origin: germline.
Comment: The p.K341N variant (also known as c.1023G>C), located in coding exon 8 of the NEXN gene, results from a G to C substitution at nucleotide position 1023. The lysine at codon 341 is replaced by asparagine, an amino acid with similar properties. This amino acid position is conserved. In addition, this alteration is predicted to be tolerated by in silico analysis. Based on the available evidence, the clinical significance of this variant remains unclear.

NM_144573.4(NEXN):c.1023G>C (p.Lys341Asn)

Gene: NEXN (nexilin F-actin binding protein; plus strand). Cytogenetic location: 1p31.1.
Variant type: single nucleotide variant.
Coding change: c.1023G>C on transcript NM_144573.4 (MANE Select); coding-DNA position 1023, G replaced by C.
Protein change: p.Lys341Asn; replaces lysine 341 with asparagine.
Molecular consequence: missense variant.
Genome position (GRCh38, 1-based): chr1:77,929,474, G>C. VCF-style: chr1-77929474-G-C. GRCh37 (hg19) VCF-style: chr1-78395159-G-C.
Other names: c.831G>C, p.Lys277Asn (NM_001172309.2); short protein forms K277N, K341N.
Identifiers: ClinVar variation 3299402 (VCV003299402.1).